The following is an entry in ClinVar:

ClinVar aggregate classification (germline): Uncertain significance (1 of 4 stars; one submission).

Conditions:
Jeune thoracic dystrophy. Also called: Short-rib thoracic dysplasia; Jeune syndrome; Infantile thoracic dystrophy; Thoracic pelvic phalangeal dystrophy; Jeune's syndrome; Chondroectodermal dysplasia-like syndrome. Identifiers: Orphanet 474, MedGen C0265275, MONDO:0018770.

Allele frequency attached by ClinVar (database versions not stated): gnomAD exomes below 0.00001; TOPMed 0.00001.
gnomAD v4.1: 3 of 1,612,968 alleles (0.00019%); highest among the groups gnomAD compares: Non-Finnish European, 0.00025%; no homozygotes.

Submission:

Labcorp Genetics (formerly Invitae), Labcorp
Classification: Uncertain significance for Jeune thoracic dystrophy. Last evaluated: 2023-09-18. Review status: criteria provided, single submitter. Criteria: Invitae Variant Classification Sherloc (09022015). Collection method: clinical testing. Allele origin: germline.
Comment: In summary, the available evidence is currently insufficient to determine the role of this variant in disease. Therefore, it has been classified as a Variant of Uncertain Significance. Advanced modeling of protein sequence and biophysical properties (such as structural, functional, and spatial information, amino acid conservation, physicochemical variation, residue mobility, and thermodynamic stability) performed at Invitae indicates that this missense variant is not expected to disrupt DYNC2H1 protein function. ClinVar contains an entry for this variant (Variation ID: 1438036). This variant has not been reported in the literature in individuals affected with DYNC2H1-related conditions. This variant is not present in population databases (gnomAD no frequency). This sequence change replaces isoleucine, which is neutral and non-polar, with valine, which is neutral and non-polar, at codon 3671 of the DYNC2H1 protein (p.Ile3671Val).

NM_001377.3(DYNC2H1):c.10990A>G (p.Ile3664Val)

Gene: DYNC2H1 (dynein cytoplasmic 2 heavy chain 1; plus strand). Cytogenetic location: 11q22.3.
Variant type: single nucleotide variant.
Coding change: c.10990A>G on transcript NM_001377.3 (MANE Select); coding-DNA position 10990, A replaced by G.
Protein change: p.Ile3664Val; replaces isoleucine 3664 with valine.
Molecular consequence: missense variant.
Genome position (GRCh38, 1-based): chr11:103,286,354, A>G. VCF-style: chr11-103286354-A-G. GRCh37 (hg19) VCF-style: chr11-103157083-A-G.
Other names: c.11011A>G, p.Ile3671Val (NM_001080463.2); short protein forms I3664V, I3671V.
Identifiers: ClinVar variation 1438036 (VCV001438036.5), dbSNP rs1866352347, ClinGen allele CA382258420.
Genomic context (GRCh38, chr11:103,286,354, plus strand): 5'-GATGCAGCTCTGTGGCGTACTTATTATAATAATTCAATGTGTGAGCAAGAGTTTCCATCT[A>G]TCCTTGCAAAGAAAGTTTCCTTATTTCAGCAGGTAAAATTTAGTGTTATCTAAATGCAAA-3'
Protein context (NP_001368.2, residues 3654-3674): NSMCEQEFPS[Ile3664Val]LAKKVSLFQQ